The following is an entry in ClinVar:

NM_000444.6(PHEX):c.1931T>C (p.Ile644Thr)

Genes: PHEX (phosphate regulating endopeptidase X-linked; plus strand), PTCHD1-AS (PTCHD1 and PHEX antisense RNA; minus strand). Cytogenetic location: Xp22.11.
Variant type: single nucleotide variant.
Coding change: c.1931T>C on transcript NM_000444.6 (MANE Select); coding-DNA position 1931, T replaced by C.
Protein change: p.Ile644Thr; replaces isoleucine 644 with threonine.
Molecular consequence: missense variant.
Genome position (GRCh38, 1-based): chrX:22,226,474, T>C. VCF-style: chrX-22226474-T-C. GRCh37 (hg19) VCF-style: chrX-22244591-T-C.
Other names: c.1931T>C, p.Ile644Thr (NM_001282754.2); short protein forms I644T.
Identifiers: ClinVar variation 1942870 (VCV001942870.6), dbSNP rs1391338664, ClinGen allele CA412574193.
Genomic context (GRCh38, chrX:22,226,474, plus strand): 5'-TTTTTTTTTTCCTTTTTTCTTTCTGTTAGGTCAAGGGGAAGAGGACCCTGGGAGAAAATA[T>C]TGCTGATAATGGAGGCCTGCGGGAAGCTTTTAGGGTATGCGCTGCTACATTTACCGTGGT-3'
Protein context (NP_000435.3, residues 634-654): VKGKRTLGEN[Ile644Thr]ADNGGLREAF

ClinVar aggregate classification (germline): Uncertain significance. Review status: criteria provided, multiple submitters, no conflicts (2 of 4 stars). 2 submissions from 2 submitters: Uncertain significance (2). Last evaluated 2025-03-31.

Conditions:
Familial X-linked hypophosphatemic vitamin D refractory rickets (XLHRD). Also called: X-Linked Hypophosphatemia; Hypophosphatemic Rickets, X-Linked Dominant; Hypophosphatemia, vitamin D-resistant rickets; Vitamin D-resistant rickets, X-linked; HYPOPHOSPHATEMIC VITAMIN D-RESISTANT RICKETS. Identifiers: Orphanet 89936, MedGen C0733682, MONDO:0010619, OMIM 307800.

Allele frequency attached by ClinVar (database versions not stated): gnomAD exomes below 0.00001; TOPMed 0.00003.
gnomAD v4.1: 1 of 1,206,932 alleles (0.000083%); highest among the groups gnomAD compares: Non-Finnish European, 0.00011%; no homozygotes.

Submissions (2):

Labcorp Genetics (formerly Invitae), Labcorp
Classification: Uncertain significance. Last evaluated: 2025-03-31. Review status: criteria provided, single submitter. Criteria: Invitae Variant Classification Sherloc (09022015). Collection method: clinical testing. Allele origin: germline.
Comment: This sequence change replaces isoleucine, which is neutral and non-polar, with threonine, which is neutral and polar, at codon 644 of the PHEX protein (p.Ile644Thr). This variant is not present in population databases (gnomAD no frequency). This variant has not been reported in the literature in individuals affected with PHEX-related conditions. ClinVar contains an entry for this variant (Variation ID: 1942870). Invitae Evidence Modeling of protein sequence and biophysical properties (such as structural, functional, and spatial information, amino acid conservation, physicochemical variation, residue mobility, and thermodynamic stability) indicates that this missense variant is expected to disrupt PHEX protein function with a positive predictive value of 80%. In summary, the available evidence is currently insufficient to determine the role of this variant in disease. Therefore, it has been classified as a Variant of Uncertain Significance.

Fulgent Genetics
Classification: Uncertain significance for Familial X-linked hypophosphatemic vitamin D refractory rickets. Last evaluated: 2024-04-07. Review status: criteria provided, single submitter. Criteria: ACMG Guidelines, 2015. Collection method: clinical testing. Allele origin: germline.